The following is an entry in ClinVar:

ClinVar aggregate classification (germline): Uncertain significance. Review status: criteria provided, multiple submitters, no conflicts (2 of 4 stars). 2 submissions from 2 submitters: Uncertain significance (2). Last evaluated 2022-03-21.

Allele frequency attached by ClinVar (database versions not stated): gnomAD exomes below 0.00001; TOPMed 0.00003.
gnomAD v4.1: 1 of 1,614,142 alleles (0.000062%); highest among the groups gnomAD compares: African/African-American, 0.0013%; no homozygotes.

Submissions (2):

Blueprint Genetics
Classification: Uncertain significance. Last evaluated: 2022-03-21. Review status: criteria provided, single submitter. Criteria: ACMG Guidelines, 2015. Collection method: clinical testing. Allele origin: germline.

Labcorp Genetics (formerly Invitae), Labcorp
Classification: Uncertain significance. Last evaluated: 2021-08-14. Review status: criteria provided, single submitter. Criteria: Invitae Variant Classification Sherloc (09022015). Collection method: clinical testing. Allele origin: germline.
Comment: This sequence change replaces leucine with histidine at codon 419 of the PDE6A protein (p.Leu419His). The leucine residue is highly conserved and there is a moderate physicochemical difference between leucine and histidine. This variant is not present in population databases (ExAC no frequency). This variant has not been reported in the literature in individuals affected with PDE6A-related conditions. Algorithms developed to predict the effect of missense changes on protein structure and function are either unavailable or do not agree on the potential impact of this missense change (SIFT: "Deleterious"; PolyPhen-2: "Probably Damaging"; Align-GVGD: "Class C0"). In summary, the available evidence is currently insufficient to determine the role of this variant in disease. Therefore, it has been classified as a Variant of Uncertain Significance.

NM_000440.3(PDE6A):c.1256T>A (p.Leu419His)

Gene: PDE6A (phosphodiesterase 6A; minus strand). Cytogenetic location: 5q32.
Variant type: single nucleotide variant.
Coding change: c.1256T>A on transcript NM_000440.3 (MANE Select); coding-DNA position 1256, T replaced by A.
Protein change: p.Leu419His; replaces leucine 419 with histidine.
Molecular consequence: missense variant.
Genome position (GRCh38, 1-based): chr5:149,899,382, A>T on the plus strand (T>A on the coding strand, the complement: PDE6A is on the minus strand). VCF-style: chr5-149899382-A-T. GRCh37 (hg19) VCF-style: chr5-149278945-A-T.
Other names: short protein forms L419H.
Identifiers: ClinVar variation 1502146 (VCV001502146.6), dbSNP rs1056149139, ClinGen allele CA129072866.
Genomic context (GRCh38, chr5:149,899,382, plus strand): 5'-CCAGCAAGCTGACTCTGAATCCCAACAGCAAAAGGCCTCCTAGCAAGCCATACCTCCATG[A>T]GCGTCTCATCCATTTCATCAAAGGGCTTCCCATCTTTACGATTGTAAAATGTGGCCACTC-3'
Protein context (NP_000431.2, residues 409-429): GKPFDEMDET[Leu419His]MESLTQFLGW